The following is an entry in ClinVar:

ClinVar aggregate classification (germline): Uncertain significance (1 of 4 stars; one submission).

Conditions:
Congenital muscular dystrophy due to integrin alpha-7 deficiency. Also called: MYOPATHY, CONGENITAL, DUE TO INTEGRIN ALPHA-7 DEFICIENCY; Congenital muscular dystrophy with integrin alpha-7 deficiency; Muscular dystrophy, congenital, due to ITGA7 deficiency. Identifiers: Orphanet 34520, MedGen C2750786, MONDO:0013177, OMIM 613204.

gnomAD v4.1: 6 of 1,613,820 alleles (0.00037%); highest among the groups gnomAD compares: Non-Finnish European, 0.00042%; no homozygotes.

Submission:

Labcorp Genetics (formerly Invitae), Labcorp
Classification: Uncertain significance for Congenital muscular dystrophy due to integrin alpha-7 deficiency. Last evaluated: 2022-06-20. Review status: criteria provided, single submitter. Criteria: Invitae Variant Classification Sherloc (09022015). Collection method: clinical testing. Allele origin: germline.
Comment: In summary, the available evidence is currently insufficient to determine the role of this variant in disease. Therefore, it has been classified as a Variant of Uncertain Significance. Algorithms developed to predict the effect of missense changes on protein structure and function are either unavailable or do not agree on the potential impact of this missense change (SIFT: "Deleterious"; PolyPhen-2: "Benign"; Align-GVGD: "Class C0"). This variant has not been reported in the literature in individuals affected with ITGA7-related conditions. This variant is not present in population databases (gnomAD no frequency). This sequence change replaces alanine, which is neutral and non-polar, with proline, which is neutral and non-polar, at codon 285 of the ITGA7 protein (p.Ala285Pro).

NM_002206.3(ITGA7):c.853G>C (p.Ala285Pro)

Gene: ITGA7 (integrin subunit alpha 7; minus strand). Cytogenetic location: 12q13.2.
Variant type: single nucleotide variant.
Coding change: c.853G>C on transcript NM_002206.3 (MANE Select); coding-DNA position 853, G replaced by C.
Protein change: p.Ala285Pro; replaces alanine 285 with proline.
Molecular consequence: missense variant. On other transcripts: 5 prime UTR variant (1).
Genome position (GRCh38, 1-based): chr12:55,698,855, C>G on the plus strand (G>C on the coding strand, the complement: ITGA7 is on the minus strand). VCF-style: chr12-55698855-C-G. GRCh37 (hg19) VCF-style: chr12-56092639-C-G.
Other names: c.865G>C, p.Ala289Pro (NM_001144996.2, NM_001414029.1, NM_001414030.1); c.574G>C, p.Ala192Pro (NM_001144997.2); c.526G>C, p.Ala176Pro (NM_001367993.1); c.-440G>C (NM_001367994.1); c.853G>C, p.Ala285Pro (NM_001374465.1, NM_001414031.1, NM_001414034.1); c.985G>C, p.Ala329Pro (NM_001410977.1); c.733G>C, p.Ala245Pro (NM_001414032.1); c.670G>C, p.Ala224Pro (NM_001414033.1); and 1 more; short protein forms A176P, A285P, A192P, A289P, A329P, A172P, A245P, A224P.
Identifiers: ClinVar variation 1500730 (VCV001500730.6), dbSNP rs2136037242, ClinGen allele CA385190984.